The following is an entry in ClinVar:

ClinVar aggregate classification (germline): Likely benign. Review status: criteria provided, multiple submitters, no conflicts (2 of 4 stars). 3 submissions from 3 submitters: Likely benign (3). Last evaluated 2025-11-18.

Conditions:
Cardiovascular phenotype. Identifiers: MedGen CN230736.
Myofibrillar myopathy 5. Also called: Filaminopathy (type); FILAMINOPATHY, AUTOSOMAL DOMINANT. Identifiers: Orphanet 171445, MedGen C1836050, MONDO:0012289, OMIM 609524.
Distal myopathy with posterior leg and anterior hand involvement. Also called: WILLIAMS DISTAL MYOPATHY. Identifiers: Orphanet 63273, MedGen C3279722, MONDO:0013550, OMIM 614065.
Hypertrophic cardiomyopathy 26. Also called: Cardiomyopathy, familial hypertrophic, 26. Identifiers: Orphanet 75249, MedGen C4310749, MONDO:0014883, OMIM 617047.
FLNC-related disorder. Also called: FLNC-related condition; FLNC-related disorders.

Allele frequency attached by ClinVar (database versions not stated): TOPMed below 0.00001; ExAC 0.00001; gnomAD 0.00001; gnomAD exomes 0.00001.
gnomAD v4.1: 15 of 1,613,944 alleles (0.00093%); highest among the groups gnomAD compares: Non-Finnish European, 0.0012%; no homozygotes.

Submissions (3):

Labcorp Genetics (formerly Invitae), Labcorp
Classification: Likely benign for Distal myopathy with posterior leg and anterior hand involvement; Myofibrillar myopathy 5; Hypertrophic cardiomyopathy 26. Last evaluated: 2025-11-18. Review status: criteria provided, single submitter. Criteria: Invitae Variant Classification Sherloc (09022015). Collection method: clinical testing. Allele origin: germline.

PreventionGenetics, part of Exact Sciences
Classification: Likely benign for FLNC-related condition. Last evaluated: 2025-09-17. Review status: criteria provided, single submitter. Criteria: ACMG Guidelines, 2015. Collection method: clinical testing. Allele origin: germline.
Comment: This variant is classified as likely benign based on ACMG/AMP sequence variant interpretation guidelines (Richards et al. 2015 PMID: 25741868, with internal and published modifications).

Ambry Genetics
Classification: Likely benign for Cardiovascular phenotype. Last evaluated: 2024-04-27. Review status: criteria provided, single submitter. Criteria: Ambry Variant Classification Scheme 2023. Collection method: clinical testing. Allele origin: germline.

NM_001458.5(FLNC):c.3417C>T (p.His1139=)

Gene: FLNC (filamin C; plus strand). Cytogenetic location: 7q32.1.
Variant type: single nucleotide variant.
Coding change: c.3417C>T on transcript NM_001458.5 (MANE Select); coding-DNA position 3417, C replaced by T.
Protein change: p.His1139=; no amino-acid change (histidine 1139 retained).
Molecular consequence: synonymous variant.
Genome position (GRCh38, 1-based): chr7:128,844,882, C>T. VCF-style: chr7-128844882-C-T. GRCh37 (hg19) VCF-style: chr7-128484936-C-T.
Other names: c.3417C>T, p.His1139= (NM_001127487.2).
Identifiers: ClinVar variation 2159223 (VCV002159223.6), dbSNP rs757494151, ClinGen allele CA4475034.
Genomic context (GRCh38, chr7:128,844,882, plus strand): 5'-CAGCTACCTGCCCACGGAGCCTGGCGAGTACACCATCAACATCCTGTTTGCTGAGGCCCA[C>T]ATCCCTGGCTCGCCCTTCAAAGCCACCATTCGGCCTGTGTTTGACCCGAGCAAGGTGCGG-3'
Protein context (NP_001449.3, residues 1129-1149): YTINILFAEA[His1139=]IPGSPFKATI